The following is an entry in ClinVar:

ClinVar aggregate classification (germline): Benign/Likely benign. Review status: criteria provided, multiple submitters, no conflicts (2 of 4 stars). 17 submissions from 13 submitters: Benign (11); Likely benign (1). 5 of the submissions do not count toward it. Last evaluated 2026-02-04.

Conditions:
Charcot-Marie-Tooth disease. Also called: Charcot-Marie-Tooth Hereditary Neuropathy; Charcot-Marie-Tooth Neuropathy. Identifiers: Orphanet 166, MedGen C0007959, MONDO:0015626.
Charcot-Marie-Tooth disease type 4J (CMT4J). Also called: Charcot-Marie-Tooth Neuropathy Type 4J; CHARCOT-MARIE-TOOTH DISEASE, AUTOSOMAL RECESSIVE, TYPE 4J; CHARCOT-MARIE-TOOTH DISEASE, DEMYELINATING, TYPE 4J. Identifiers: Orphanet 139515, MedGen C1970011, MONDO:0012640, OMIM 611228.
Amyotrophic lateral sclerosis type 11 (ALS11). Identifiers: Orphanet 803, MedGen C2675491, MONDO:0012945, OMIM 612577.
Bilateral parasagittal parieto-occipital polymicrogyria. Also called: Polymicrogyria, bilateral temporooccipital. Identifiers: Orphanet 208441, MedGen C4013648, MONDO:0012986, OMIM 612691.
Charcot-Marie-Tooth disease type 4. Also called: Charcot-Marie-Tooth, Type 4; Charcot-Marie-Tooth disease, type IV. Identifiers: Orphanet 64749, MedGen C4082197, MONDO:0018995.
Yunis-Varon syndrome (YVS). Also called: Cleidocranial dysplasia, micrognathia, absent thumbs, & distal aphalangia. Identifiers: Orphanet 3472, MedGen C1857663, MONDO:0008995, OMIM 216340.

Allele frequency attached by ClinVar (database versions not stated): ESP Exome Variant Server 0.32147; gnomAD 0.34581 and 0.35782; TOPMed 0.35248; 1000 Genomes Project 30x 0.39022; 1000 Genomes Project 0.39577; gnomAD exomes 0.42083 and 0.43876; ExAC 0.42887.
gnomAD v4.1: 669,688 of 1,611,466 alleles (42%); highest among the groups gnomAD compares: East Asian, 57%; 144,488 homozygotes.

Submissions (17):

Labcorp Genetics (formerly Invitae), Labcorp
Classification: Benign for Charcot-Marie-Tooth disease type 4. Last evaluated: 2026-02-04. Review status: criteria provided, single submitter. Criteria: Invitae Variant Classification Sherloc (09022015). Collection method: clinical testing. Allele origin: germline.

Blueprint Genetics
Classification: Likely benign. Last evaluated: 2024-11-27. Review status: criteria provided, single submitter. Criteria: ACMG Guidelines, 2015. Collection method: clinical testing. Allele origin: germline.

Genome-Nilou Lab
Classification: Benign for Bilateral parasagittal parieto-occipital polymicrogyria. Last evaluated: 2021-08-10. Review status: criteria provided, single submitter. Criteria: ACMG Guidelines, 2015. Collection method: clinical testing. Allele origin: germline. Affected: no.

Genome-Nilou Lab
Classification: Benign for Amyotrophic lateral sclerosis type 11. Last evaluated: 2021-08-10. Review status: criteria provided, single submitter. Criteria: ACMG Guidelines, 2015. Collection method: clinical testing. Allele origin: germline. Affected: no.

Genome-Nilou Lab
Classification: Benign for Charcot-Marie-Tooth disease type 4J. Last evaluated: 2021-08-10. Review status: criteria provided, single submitter. Criteria: ACMG Guidelines, 2015. Collection method: clinical testing. Allele origin: germline. Affected: no.

Genome-Nilou Lab
Classification: Benign for Yunis-Varon syndrome. Last evaluated: 2021-08-10. Review status: criteria provided, single submitter. Criteria: ACMG Guidelines, 2015. Collection method: clinical testing. Allele origin: germline. Affected: no.

Illumina Laboratory Services, Illumina
Classification: Benign for Amyotrophic lateral sclerosis type 11. Last evaluated: 2018-01-12. Review status: criteria provided, single submitter. Criteria: ICSL Variant Classification Criteria 13 December 2019. Collection method: clinical testing. Allele origin: germline.
Comment: This variant was observed in the ICSL laboratory as part of a predisposition screen in an ostensibly healthy population. It had not been previously curated by ICSL or reported in the Human Gene Mutation Database (HGMD: prior to June 1st, 2018), and was therefore a candidate for classification through an automated scoring system. Utilizing variant allele frequency, disease prevalence and penetrance estimates, and inheritance mode, an automated score was calculated to assess if this variant is too frequent to cause the disease. Based on the score and internal cut-off values, a variant classified as benign is not then subjected to further curation. The score for this variant resulted in a classification of benign for this disease.

Illumina Laboratory Services, Illumina
Classification: Benign for Charcot-Marie-Tooth disease type 4J. Last evaluated: 2018-01-12. Review status: criteria provided, single submitter. Criteria: ICSL Variant Classification Criteria 13 December 2019. Collection method: clinical testing. Allele origin: germline.
Comment: the same text as in the submission from Illumina Laboratory Services, Illumina above.

Mayo Clinic Laboratories, Mayo Clinic
Classification: Benign. Last evaluated: 2015-08-24. Review status: criteria provided, single submitter. Criteria: ACMG Guidelines, 2015. Collection method: clinical testing. Allele origin: germline. Observed: 1,862 variant alleles.

GeneDx
Classification: Benign. Last evaluated: 2015-03-03. Review status: criteria provided, single submitter. Criteria: GeneDx Variant Classification Process June 2021. Collection method: clinical testing. Allele origin: germline. Affected: yes.

Molecular Genetics Laboratory, London Health Sciences Centre
Classification: Benign for Charcot-Marie-Tooth disease. Review status: criteria provided, single submitter. Criteria: ACMG Guidelines, 2015. Collection method: clinical testing. Allele origin: germline. Affected: yes.

PreventionGenetics, part of Exact Sciences
Classification: Benign. Review status: criteria provided, single submitter. Criteria: ACMG Guidelines, 2015. Collection method: clinical testing. Allele origin: germline.

Clinical Genetics DNA and cytogenetics Diagnostics Lab, Erasmus MC, Erasmus Medical Center
Classification: Benign. Review status: no assertion criteria provided. Collection method: clinical testing. Allele origin: germline. Affected: yes. Study: VKGL Data-share Consensus. Not counted in ClinVar's aggregate classification.

Clinical Genetics, Academic Medical Center
Classification: Benign. Review status: no assertion criteria provided. Collection method: clinical testing. Allele origin: germline. Affected: yes. Study: VKGL Data-share Consensus. Not counted in ClinVar's aggregate classification.

Diagnostic Laboratory, Department of Genetics, University Medical Center Groningen
Classification: Benign. Review status: no assertion criteria provided. Collection method: clinical testing. Allele origin: germline. Affected: yes. Study: VKGL Data-share Consensus. Not counted in ClinVar's aggregate classification.

Genome Diagnostics Laboratory, Amsterdam University Medical Center
Classification: Benign. Review status: no assertion criteria provided. Collection method: clinical testing. Allele origin: germline. Affected: yes. Study: VKGL Data-share Consensus. Not counted in ClinVar's aggregate classification.

Genome Diagnostics Laboratory, University Medical Center Utrecht
Classification: Benign. Review status: no assertion criteria provided. Collection method: clinical testing. Allele origin: germline. Affected: yes. Study: VKGL Data-share Consensus. Not counted in ClinVar's aggregate classification.

NM_014845.6(FIG4):c.2559G>A (p.Ser853=)

Gene: FIG4 (FIG4 phosphoinositide 5-phosphatase; plus strand). Cytogenetic location: 6q21.
Variant type: single nucleotide variant.
Coding change: c.2559G>A on transcript NM_014845.6 (MANE Select); coding-DNA position 2559, G replaced by A.
Protein change: p.Ser853=; no amino-acid change (serine 853 retained).
Molecular consequence: synonymous variant.
Genome position (GRCh38, 1-based): chr6:109,825,100, G>A. VCF-style: chr6-109825100-G-A. GRCh37 (hg19) VCF-style: chr6-110146303-G-A.
Other names: p.Ser853=.
Identifiers: ClinVar variation 260449 (VCV000260449.28), dbSNP rs1127771, ClinGen allele CA3956454.
Genomic context (GRCh38, chr6:109,825,100, plus strand): 5'-TCCTTATATTTTCTTTAATGCAGCCCTCTCTTTATTCATCTTTTATAGAACACCCATCTC[G>A]GCTTTCTCGCAAGATAACATCTATGAAGTTCAGCCCCCAAGAGTAGACAGAAAATCTACA-3'
Protein context (NP_055660.1, residues 843-863): SDGVIKLTPI[Ser853=]AFSQDNIYEV